The following is an entry in ClinVar:

NM_025152.3(NUBPL):c.*1694G>A

Gene: NUBPL (NUBP iron-sulfur cluster assembly factor, mitochondrial; plus strand). Cytogenetic location: 14q12.
Variant type: single nucleotide variant.
Coding change: c.*1694G>A on transcript NM_025152.3 (MANE Select); 1694 bases downstream of the stop codon, G replaced by A.
Molecular consequence: 3 prime UTR variant. On other transcripts: non-coding transcript variant (1).
Genome position (GRCh38, 1-based): chr14:31,860,874, G>A. VCF-style: chr14-31860874-G-A. GRCh37 (hg19) VCF-style: chr14-32330080-G-A.
Other names: c.*1694G>A (NM_001201573.2, NM_001201574.2).
Identifiers: ClinVar variation 313068 (VCV000313068.6), dbSNP rs1129623, ClinGen allele CA10634788.
Genomic context (GRCh38, chr14:31,860,874, plus strand): 5'-GAACAAACTATGGGTACAGGCAGCAACTTATAATTCCAGAGAATTATGCTGAATGAAAAA[G>A]GCCAATTTAAAAAGGTTTTGTACCAAAAGATTCCATTTATATAACGTTCTTGAAGTGACA-3'

ClinVar aggregate classification (germline): Benign. Review status: criteria provided, multiple submitters, no conflicts (2 of 4 stars). 2 submissions from 2 submitters: Benign (2). Last evaluated 2018-01-12.

Conditions:
Mitochondrial complex I deficiency, nuclear type 1. Also called: NADH-COENZYME Q REDUCTASE DEFICIENCY; MITOCHONDRIAL NADH DEHYDROGENASE COMPONENT OF COMPLEX I, DEFICIENCY OF. Identifiers: MedGen C6022305, MONDO:0100224, OMIM 252010.

Allele frequency attached by ClinVar (database versions not stated): gnomAD 0.43789 and 0.44285; TOPMed 0.44920; 1000 Genomes Project 0.48602; 1000 Genomes Project 30x 0.49188.

Submissions (2):

Illumina Laboratory Services, Illumina
Classification: Benign for Mitochondrial complex I deficiency, nuclear type 1. Last evaluated: 2018-01-12. Review status: criteria provided, single submitter. Criteria: ICSL Variant Classification Criteria 13 December 2019. Collection method: clinical testing. Allele origin: germline.
Comment: This variant was observed in the ICSL laboratory as part of a predisposition screen in an ostensibly healthy population. It had not been previously curated by ICSL or reported in the Human Gene Mutation Database (HGMD: prior to June 1st, 2018), and was therefore a candidate for classification through an automated scoring system. Utilizing variant allele frequency, disease prevalence and penetrance estimates, and inheritance mode, an automated score was calculated to assess if this variant is too frequent to cause the disease. Based on the score and internal cut-off values, a variant classified as benign is not then subjected to further curation. The score for this variant resulted in a classification of benign for this disease.

Breakthrough Genomics
Classification: Benign. Review status: criteria provided, single submitter. Criteria: ACMG Guidelines, 2015. Collection method: not provided. Allele origin: germline. Inheritance: Autosomal recessive inheritance. Affected: yes.